The following is an entry in ClinVar:

NM_001040142.2(SCN2A):c.5690C>G (p.Thr1897Arg)

Gene: SCN2A (sodium voltage-gated channel alpha subunit 2; plus strand). Cytogenetic location: 2q24.3.
Variant type: single nucleotide variant.
Coding change: c.5690C>G on transcript NM_001040142.2 (MANE Select); coding-DNA position 5690, C replaced by G.
Protein change: p.Thr1897Arg; replaces threonine 1897 with arginine.
Molecular consequence: missense variant.
Genome position (GRCh38, 1-based): chr2:165,389,496, C>G. VCF-style: chr2-165389496-C-G. GRCh37 (hg19) VCF-style: chr2-166246006-C-G.
Other names: c.5690C>G, p.Thr1897Arg (NM_001040143.2, NM_001371246.1, NM_001371247.1 and 1 more transcripts); short protein forms T1897R.
Identifiers: ClinVar variation 3754790 (VCV003754790.2).

ClinVar aggregate classification (germline): Uncertain significance (1 of 4 stars; one submission).

Conditions:
Developmental and epileptic encephalopathy, 11 (DEE11). Also called: Early infantile epileptic encephalopathy 11. Identifiers: Orphanet 1934, MedGen C3150987, MONDO:0013388, OMIM 613721.
Seizures, benign familial infantile, 3 (BFIS3). Also called: CONVULSIONS, BENIGN FAMILIAL INFANTILE, 3; Familial neonatal seizures. Identifiers: Orphanet 140927, Orphanet 306, MedGen C1843140, MONDO:0011904, OMIM 607745.

gnomAD v4.1: 1 of 1,613,790 alleles (0.000062%); highest among the groups gnomAD compares: East Asian, 0.0022%; no homozygotes.

Submission:

Labcorp Genetics (formerly Invitae), Labcorp
Classification: Uncertain significance for Seizures, benign familial infantile, 3; Developmental and epileptic encephalopathy, 11. Last evaluated: 2024-09-10. Review status: criteria provided, single submitter. Criteria: Invitae Variant Classification Sherloc (09022015). Collection method: clinical testing. Allele origin: germline.
Comment: This sequence change replaces threonine, which is neutral and polar, with arginine, which is basic and polar, at codon 1897 of the SCN2A protein (p.Thr1897Arg). This variant is not present in population databases (gnomAD no frequency). This variant has not been reported in the literature in individuals affected with SCN2A-related conditions. Invitae Evidence Modeling of protein sequence and biophysical properties (such as structural, functional, and spatial information, amino acid conservation, physicochemical variation, residue mobility, and thermodynamic stability) indicates that this missense variant is expected to disrupt SCN2A protein function with a positive predictive value of 95%. In summary, the available evidence is currently insufficient to determine the role of this variant in disease. Therefore, it has been classified as a Variant of Uncertain Significance.